The following is an entry in ClinVar:

NM_012338.4(TSPAN12):c.334G>A (p.Val112Ile)

Gene: TSPAN12 (tetraspanin 12; minus strand). Cytogenetic location: 7q31.31.
Variant type: single nucleotide variant.
Coding change: c.334G>A on transcript NM_012338.4 (MANE Select); coding-DNA position 334, G replaced by A.
Protein change: p.Val112Ile; replaces valine 112 with isoleucine.
Molecular consequence: missense variant.
Genome position (GRCh38, 1-based): chr7:120,815,755, C>T on the plus strand (G>A on the coding strand, the complement: TSPAN12 is on the minus strand). VCF-style: chr7-120815755-C-T. GRCh37 (hg19) VCF-style: chr7-120455809-C-T.
Other names: short protein forms V112I.
Identifiers: ClinVar variation 954796 (VCV000954796.11), dbSNP rs143445702, ClinGen allele CA4453944.

ClinVar aggregate classification (germline): Conflicting classifications of pathogenicity. Review status: criteria provided, conflicting classifications (1 of 4 stars). 4 submissions from 4 submitters: Likely pathogenic (1); Uncertain significance (3). Last evaluated 2026-02-23.

Conditions:
TSPAN12-related disorder. Also called: TSPAN12-related condition.
Retinal dystrophy. Also called: Inherited retinal dystrophy. Identifiers: Orphanet 71862, MedGen C0854723, MeSH D058499, MONDO:0019118, HP:0000556.

Allele frequency attached by ClinVar (database versions not stated): gnomAD exomes 0.00009 and 0.00021; ExAC 0.00013; gnomAD 0.00014 and 0.00015; ESP Exome Variant Server 0.00015; 1000 Genomes Project 30x 0.00016; TOPMed 0.00018; 1000 Genomes Project 0.00020.
gnomAD v4.1: 318 of 1,612,618 alleles (0.02%); highest among the groups gnomAD compares: Middle Eastern, 0.05%; no homozygotes.

Submissions (4):

PreventionGenetics, part of Exact Sciences
Classification: Uncertain significance for TSPAN12-related condition. Last evaluated: 2026-02-23. Review status: criteria provided, single submitter. Criteria: ACMG Guidelines, 2015. Collection method: clinical testing. Allele origin: germline.
Comment: The TSPAN12 c.334G>A variant is predicted to result in the amino acid substitution p.Val112Ile. This variant has been reported in a cohort study of familial exudative vitreoretinopathy (Musada et al. 2016. PubMed ID: 27316669). This variant is present in 0.036% of alleles in individuals of African descent in gnomAD. At this time, the clinical significance of this variant is uncertain due to the absence of conclusive functional and genetic evidence.

Labcorp Genetics (formerly Invitae), Labcorp
Classification: Uncertain significance. Last evaluated: 2025-07-28. Review status: criteria provided, single submitter. Criteria: Invitae Variant Classification Sherloc (09022015). Collection method: clinical testing. Allele origin: germline.
Comment: This sequence change replaces valine, which is neutral and non-polar, with isoleucine, which is neutral and non-polar, at codon 112 of the TSPAN12 protein (p.Val112Ile). This variant is present in population databases (rs143445702, gnomAD 0.04%), and has an allele count higher than expected for a pathogenic variant. This missense change has been observed in individual(s) with familial exudative vitreoretinopathy (PMID: 27316669). ClinVar contains an entry for this variant (Variation ID: 954796). Invitae Evidence Modeling of protein sequence and biophysical properties (such as structural, functional, and spatial information, amino acid conservation, physicochemical variation, residue mobility, and thermodynamic stability) indicates that this missense variant is not expected to disrupt TSPAN12 protein function with a negative predictive value of 80%. In summary, the available evidence is currently insufficient to determine the role of this variant in disease. Therefore, it has been classified as a Variant of Uncertain Significance.

Blueprint Genetics
Classification: Uncertain significance. Last evaluated: 2024-03-05. Review status: criteria provided, single submitter. Criteria: ACMG Guidelines, 2015. Collection method: clinical testing. Allele origin: germline.

Institute of Human Genetics, Univ. Regensburg, Univ. Regensburg
Classification: Likely pathogenic for Retinal dystrophy. Last evaluated: 2020-01-01. Review status: criteria provided, single submitter. Criteria: ACMG Guidelines, 2015. Collection method: clinical testing. Allele origin: germline. Affected: yes.

Literature cited by the submitters: PubMed 27316669 (cited by Labcorp Genetics (formerly Invitae), Labcorp and Institute of Human Genetics, Univ. Regensburg, Univ. Regensburg).